The following is an entry in ClinVar:

ClinVar aggregate classification (germline): Uncertain significance. Review status: criteria provided, multiple submitters, no conflicts (2 of 4 stars). 2 submissions from 2 submitters: Uncertain significance (2). Last evaluated 2025-02-07.

Conditions:
Spermatogenic failure 18. Identifiers: MedGen C4539783, MONDO:0054615, OMIM 617576.
Ciliary dyskinesia, primary, 37 (CILD37). Also called: CILIARY DYSKINESIA, PRIMARY, 37, WITH OR WITHOUT SITUS INVERSUS. Identifiers: MedGen C4539798, MONDO:0033204, OMIM 617577.

Allele frequency attached by ClinVar (database versions not stated): gnomAD exomes 0.00002; TOPMed 0.00002; ExAC 0.00003; gnomAD 0.00005.
gnomAD v4.1: 34 of 1,613,730 alleles (0.0021%); highest among the groups gnomAD compares: African/African-American, 0.0067%; no homozygotes.

Submissions (2):

Labcorp Genetics (formerly Invitae), Labcorp
Classification: Uncertain significance for Ciliary dyskinesia, primary, 37; Spermatogenic failure 18. Last evaluated: 2025-02-07. Review status: criteria provided, single submitter. Criteria: Invitae Variant Classification Sherloc (09022015). Collection method: clinical testing. Allele origin: germline.
Comment: This sequence change replaces arginine, which is basic and polar, with cysteine, which is neutral and slightly polar, at codon 1266 of the DNAH1 protein (p.Arg1266Cys). This variant is present in population databases (rs755852298, gnomAD 0.004%). This variant has not been reported in the literature in individuals affected with DNAH1-related conditions. ClinVar contains an entry for this variant (Variation ID: 1010991). Invitae Evidence Modeling of protein sequence and biophysical properties (such as structural, functional, and spatial information, amino acid conservation, physicochemical variation, residue mobility, and thermodynamic stability) indicates that this missense variant is expected to disrupt DNAH1 protein function with a positive predictive value of 80%. In summary, the available evidence is currently insufficient to determine the role of this variant in disease. Therefore, it has been classified as a Variant of Uncertain Significance.

Ambry Genetics
Classification: Uncertain significance. Last evaluated: 2024-03-01. Review status: criteria provided, single submitter. Criteria: Ambry Variant Classification Scheme 2023. Collection method: clinical testing. Allele origin: germline.

NM_015512.5(DNAH1):c.3796C>T (p.Arg1266Cys)

Gene: DNAH1 (dynein axonemal heavy chain 1; plus strand). Cytogenetic location: 3p21.1.
Variant type: single nucleotide variant.
Coding change: c.3796C>T on transcript NM_015512.5 (MANE Select); coding-DNA position 3796, C replaced by T.
Protein change: p.Arg1266Cys; replaces arginine 1266 with cysteine.
Molecular consequence: missense variant.
Genome position (GRCh38, 1-based): chr3:52,356,716, C>T. VCF-style: chr3-52356716-C-T. GRCh37 (hg19) VCF-style: chr3-52390732-C-T.
Other names: c.3796C>T (NM_015512.4); short protein forms R1266C.
Identifiers: ClinVar variation 1010991 (VCV001010991.4), dbSNP rs755852298, ClinGen allele CA2433696.